The following is an entry in ClinVar:

ClinVar aggregate classification (germline): Conflicting classifications of pathogenicity. Review status: criteria provided, conflicting classifications (1 of 4 stars). 2 submissions from 2 submitters: Uncertain significance (1); Likely benign (1). Last evaluated 2025-01-06.

Allele frequency attached by ClinVar (database versions not stated): ExAC 0.00001; gnomAD 0.00003; ESP Exome Variant Server 0.00008.
gnomAD v4.1: 28 of 1,613,900 alleles (0.0017%); highest among the groups gnomAD compares: African/African-American, 0.008%; no homozygotes.

Submissions (2):

Labcorp Genetics (formerly Invitae), Labcorp
Classification: Uncertain significance. Last evaluated: 2025-01-06. Review status: criteria provided, single submitter. Criteria: Invitae Variant Classification Sherloc (09022015). Collection method: clinical testing. Allele origin: germline.
Comment: This sequence change replaces threonine, which is neutral and polar, with methionine, which is neutral and non-polar, at codon 1132 of the NIN protein (p.Thr1132Met). This variant is present in population databases (rs139379777, gnomAD 0.007%). This variant has not been reported in the literature in individuals affected with NIN-related conditions. ClinVar contains an entry for this variant (Variation ID: 2403506). An algorithm developed to predict the effect of missense changes on protein structure and function outputs the following: PolyPhen-2: "Benign". The methionine amino acid residue is found in multiple mammalian species, which suggests that this missense change does not adversely affect protein function. In summary, the available evidence is currently insufficient to determine the role of this variant in disease. Therefore, it has been classified as a Variant of Uncertain Significance.

Ambry Genetics
Classification: Likely benign. Last evaluated: 2021-12-06. Review status: criteria provided, single submitter. Criteria: Ambry Variant Classification Scheme 2023. Collection method: clinical testing. Allele origin: germline.

NM_020921.4(NIN):c.3395C>T (p.Thr1132Met)

Gene: NIN (ninein; minus strand). Cytogenetic location: 14q22.1.
Variant type: single nucleotide variant.
Coding change: c.3395C>T on transcript NM_020921.4 (MANE Select); coding-DNA position 3395, C replaced by T.
Protein change: p.Thr1132Met; replaces threonine 1132 with methionine.
Molecular consequence: missense variant. On other transcripts: intron variant (1).
Genome position (GRCh38, 1-based): chr14:50,757,635, G>A on the plus strand (C>T on the coding strand, the complement: NIN is on the minus strand). VCF-style: chr14-50757635-G-A. GRCh37 (hg19) VCF-style: chr14-51224353-G-A.
Other names: c.3395C>T, p.Thr1132Met (NM_182944.3, NM_182946.2); c.2399+2222C>T (NM_016350.5); short protein forms T1132M.
Identifiers: ClinVar variation 2403506 (VCV002403506.4), dbSNP rs139379777, ClinGen allele CA7181745.